The following is an entry in ClinVar:

NM_001384732.1(CPLANE1):c.2836A>G (p.Met946Val)

Gene: CPLANE1 (ciliogenesis and planar polarity effector complex subunit 1; minus strand). Cytogenetic location: 5p13.2.
Variant type: single nucleotide variant.
Coding change: c.2836A>G on transcript NM_001384732.1 (MANE Select); coding-DNA position 2836, A replaced by G.
Protein change: p.Met946Val; replaces methionine 946 with valine.
Molecular consequence: missense variant.
Genome position (GRCh38, 1-based): chr5:37,213,643, T>C on the plus strand (A>G on the coding strand, the complement: CPLANE1 is on the minus strand). VCF-style: chr5-37213643-T-C. GRCh37 (hg19) VCF-style: chr5-37213745-T-C.
Other names: c.2836A>G, p.Met946Val (NM_023073.4); short protein forms M946V.
Identifiers: ClinVar variation 1944181 (VCV001944181.5), dbSNP rs1451574917, ClinGen allele CA359484014.
Genomic context (GRCh38, chr5:37,213,643, plus strand): 5'-GAACATTCACATGATGAGGGGGCAAAATGCAAAGCTGCTGATTGGTGAAATAGGCAGCCA[T>C]GAAACGAGCCATGGACTGGACGACTCTCACTGCTGCCTCAGGATGAACACCGCCCACCAT-3'
Protein context (NP_001371661.1, residues 936-956): VRVVQSMARF[Met946Val]AAYFTNQQLC

ClinVar aggregate classification (germline): Uncertain significance (1 of 4 stars; one submission).

Allele frequency attached by ClinVar (database versions not stated): TOPMed below 0.00001; gnomAD 0.00001.
gnomAD v4.1: 3 of 1,547,144 alleles (0.00019%); highest among the groups gnomAD compares: African/African-American, 0.0027%; no homozygotes.

Submission:

Labcorp Genetics (formerly Invitae), Labcorp
Classification: Uncertain significance. Last evaluated: 2022-07-05. Review status: criteria provided, single submitter. Criteria: Invitae Variant Classification Sherloc (09022015). Collection method: clinical testing. Allele origin: germline.
Comment: In summary, the available evidence is currently insufficient to determine the role of this variant in disease. Therefore, it has been classified as a Variant of Uncertain Significance. Advanced modeling of protein sequence and biophysical properties (such as structural, functional, and spatial information, amino acid conservation, physicochemical variation, residue mobility, and thermodynamic stability) performed at Invitae indicates that this missense variant is expected to disrupt CPLANE1 protein function. This variant has not been reported in the literature in individuals affected with CPLANE1-related conditions. This variant is present in population databases (no rsID available, gnomAD 0.003%). This sequence change replaces methionine, which is neutral and non-polar, with valine, which is neutral and non-polar, at codon 946 of the CPLANE1 protein (p.Met946Val).